The following is an entry in ClinVar:

ClinVar aggregate classification (germline): Likely benign. Review status: criteria provided, single submitter (1 of 4 stars). 2 submissions from 2 submitters: Likely benign (1). 1 of the submissions does not count toward it. Last evaluated 2023-01-25.

Conditions:
WDR26-related disorder. Also called: WDR26-related condition.

gnomAD v4.1: 216 of 1,613,854 alleles (0.013%); highest among the groups gnomAD compares: African/African-American, 0.25%; no homozygotes.

Submissions (2):

Blueprint Genetics
Classification: Likely benign. Last evaluated: 2023-01-25. Review status: criteria provided, single submitter. Criteria: ACMG Guidelines, 2015. Collection method: clinical testing. Allele origin: germline.

PreventionGenetics, part of Exact Sciences
Classification: Likely benign for WDR26-related condition. Last evaluated: 2024-03-08. Review status: no assertion criteria provided. Collection method: clinical testing. Allele origin: germline. Not counted in ClinVar's aggregate classification.
Comment: This variant is classified as likely benign based on ACMG/AMP sequence variant interpretation guidelines (Richards et al. 2015 PMID: 25741868, with internal and published modifications).

NM_001379403.1(WDR26):c.1086A>G (p.Ala362=)

Gene: WDR26 (WD repeat domain 26; minus strand). Cytogenetic location: 1q42.12.
Variant type: single nucleotide variant.
Coding change: c.1086A>G on transcript NM_001379403.1 (MANE Select); coding-DNA position 1086, A replaced by G.
Protein change: p.Ala362=; no amino-acid change (alanine 362 retained).
Molecular consequence: synonymous variant.
Genome position (GRCh38, 1-based): chr1:224,419,594, T>C on the plus strand (A>G on the coding strand, the complement: WDR26 is on the minus strand). VCF-style: chr1-224419594-T-C. GRCh37 (hg19) VCF-style: chr1-224607296-T-C.
Other names: c.738A>G, p.Ala246= (NM_001115113.3); c.786A>G, p.Ala262= (NM_025160.7).
Identifiers: ClinVar variation 3352754 (VCV003352754.2).
Genomic context (GRCh38, chr1:224,419,594, plus strand): 5'-TAGTTTAGATCGGGAAGCTGTCCCTTTGCCTTCCCATTCTGCTTTTGCACGTAGGTCTTC[T>C]GCATGGCTACACATCAGATACCTAAAAATACAACAGAGAAAGCAACCAATATTAAACCCA-3'
Protein context (NP_001366332.1, residues 352-372): VLSGYLMCSH[Ala362=]EDLRAKAEWE